The following is an entry in ClinVar:

NM_206933.4(USH2A):c.8710G>A (p.Val2904Ile)

Gene: USH2A (usherin; minus strand). Cytogenetic location: 1q41.
Variant type: single nucleotide variant.
Coding change: c.8710G>A on transcript NM_206933.4 (MANE Select); coding-DNA position 8710, G replaced by A.
Protein change: p.Val2904Ile; replaces valine 2904 with isoleucine.
Molecular consequence: missense variant.
Genome position (GRCh38, 1-based): chr1:215,867,142, C>T on the plus strand (G>A on the coding strand, the complement: USH2A is on the minus strand). VCF-style: chr1-215867142-C-T. GRCh37 (hg19) VCF-style: chr1-216040484-C-T.
Other names: short protein forms V2904I.
Identifiers: ClinVar variation 546628 (VCV000546628.46), dbSNP rs142649882, ClinGen allele CA1394533.

ClinVar aggregate classification (germline): Uncertain significance. Review status: criteria provided, multiple submitters, no conflicts (2 of 4 stars). 7 submissions from 6 submitters: Uncertain significance (6). 1 of the submissions does not count toward it. Last evaluated 2026-06-01.

Conditions:
Usher syndrome type 2A. Also called: RETINAL DISEASE IN USHER SYNDROME TYPE IIA, MODIFIER OF; USHER SYNDROME, TYPE IIA. Identifiers: Orphanet 231178, Orphanet 886, MedGen C1848634, MONDO:0010169, OMIM 276901.
Retinitis pigmentosa 39 (RP39). Identifiers: Orphanet 791, MedGen C3151138, MONDO:0013436, OMIM 613809.
Retinal dystrophy. Also called: Inherited retinal dystrophy. Identifiers: Orphanet 71862, MedGen C0854723, MeSH D058499, MONDO:0019118, HP:0000556.

Allele frequency attached by ClinVar (database versions not stated): gnomAD exomes 0.00005 and 0.00006; ExAC 0.00006; TOPMed 0.00006; ESP Exome Variant Server 0.00008.

Submissions (7):

CeGaT Center for Human Genetics Tuebingen
Classification: Uncertain significance. Last evaluated: 2026-06-01. Review status: criteria provided, single submitter. Criteria: CeGaT Center For Human Genetics Tuebingen Variant Classification Criteria Version 2. Collection method: clinical testing. Allele origin: germline. Affected: yes. Observed: 2 variant alleles.
Comment: USH2A: PM2, BP4

Blueprint Genetics
Classification: Uncertain significance. Last evaluated: 2024-09-19. Review status: criteria provided, single submitter. Criteria: ACMG Guidelines, 2015. Collection method: clinical testing. Allele origin: germline.

Genome-Nilou Lab
Classification: Uncertain significance for Retinitis pigmentosa 39. Last evaluated: 2023-11-04. Review status: criteria provided, single submitter. Criteria: ACMG Guidelines, 2015. Collection method: clinical testing. Allele origin: germline. Affected: no.

Genome-Nilou Lab
Classification: Uncertain significance for Usher syndrome type 2A. Last evaluated: 2023-11-04. Review status: criteria provided, single submitter. Criteria: ACMG Guidelines, 2015. Collection method: clinical testing. Allele origin: germline. Affected: no.

Dept Of Ophthalmology, Nagoya University
Classification: Uncertain significance for Retinal dystrophy. Last evaluated: 2023-10-01. Review status: criteria provided, single submitter. Criteria: Submitter's publication. Collection method: research. Allele origin: germline. Affected: yes.

Labcorp Genetics (formerly Invitae), Labcorp
Classification: Uncertain significance. Last evaluated: 2022-06-05. Review status: criteria provided, single submitter. Criteria: Invitae Variant Classification Sherloc (09022015). Collection method: clinical testing. Allele origin: germline.
Comment: This sequence change replaces valine, which is neutral and non-polar, with isoleucine, which is neutral and non-polar, at codon 2904 of the USH2A protein (p.Val2904Ile). This variant is present in population databases (rs142649882, gnomAD 0.02%). This variant has not been reported in the literature in individuals affected with USH2A-related conditions. ClinVar contains an entry for this variant (Variation ID: 546628). Algorithms developed to predict the effect of missense changes on protein structure and function (SIFT, PolyPhen-2, Align-GVGD) all suggest that this variant is likely to be disruptive. In summary, the available evidence is currently insufficient to determine the role of this variant in disease. Therefore, it has been classified as a Variant of Uncertain Significance.

Institute of Human Genetics, Univ. Regensburg, Univ. Regensburg
Classification: Uncertain significance for Retinal dystrophy. Last evaluated: 2012-01-01. Review status: no assertion criteria provided. Criteria: ACMG Guidelines, 2015. Collection method: clinical testing. Allele origin: germline. Affected: yes. Not counted in ClinVar's aggregate classification.